The following is an entry in ClinVar:

NM_022765.4(MICAL1):c.1411C>T (p.Leu471Phe)

Gene: MICAL1 (microtubule associated monooxygenase, calponin and LIM domain containing 1; minus strand). Cytogenetic location: 6q21.
Variant type: single nucleotide variant.
Coding change: c.1411C>T on transcript NM_022765.4 (MANE Select); coding-DNA position 1411, C replaced by T.
Protein change: p.Leu471Phe; replaces leucine 471 with phenylalanine.
Molecular consequence: missense variant.
Genome position (GRCh38, 1-based): chr6:109,449,680, G>A on the plus strand (C>T on the coding strand, the complement: MICAL1 is on the minus strand). VCF-style: chr6-109449680-G-A. GRCh37 (hg19) VCF-style: chr6-109770883-G-A.
Other names: c.1411C>T (NM_022765.3); c.1153C>T, p.Leu385Phe (NM_001159291.2); c.1468C>T, p.Leu490Phe (NM_001286613.2); short protein forms L385F, L490F, L471F.
Identifiers: ClinVar variation 2978846 (VCV002978846.4), dbSNP rs1322059460, ClinGen allele CA365229961.

ClinVar aggregate classification (germline): Uncertain significance. Review status: criteria provided, multiple submitters, no conflicts (2 of 4 stars). 2 submissions from 2 submitters: Uncertain significance (2). Last evaluated 2025-08-28.

Allele frequency attached by ClinVar (database versions not stated): gnomAD exomes below 0.00001; TOPMed below 0.00001.

Submissions (2):

Ambry Genetics
Classification: Uncertain significance. Last evaluated: 2025-08-28. Review status: criteria provided, single submitter. Criteria: Ambry Variant Classification Scheme 2023. Collection method: clinical testing. Allele origin: germline.

Labcorp Genetics (formerly Invitae), Labcorp
Classification: Uncertain significance. Last evaluated: 2024-11-21. Review status: criteria provided, single submitter. Criteria: Invitae Variant Classification Sherloc (09022015). Collection method: clinical testing. Allele origin: germline.
Comment: This sequence change replaces leucine, which is neutral and non-polar, with phenylalanine, which is neutral and non-polar, at codon 490 of the MICAL1 protein (p.Leu490Phe). This variant is present in population databases (no rsID available, gnomAD 0.007%). This variant has not been reported in the literature in individuals affected with MICAL1-related conditions. ClinVar contains an entry for this variant (Variation ID: 2978846). An algorithm developed to predict the effect of missense changes on protein structure and function (PolyPhen-2) suggests that this variant is likely to be disruptive. In summary, the available evidence is currently insufficient to determine the role of this variant in disease. Therefore, it has been classified as a Variant of Uncertain Significance.